The following is an entry in ClinVar:

ClinVar aggregate classification (germline): Pathogenic (1 of 4 stars; one submission).

Conditions:
Sandhoff disease. Also called: GM2-GANGLIOSIDOSIS, TYPE II; HEXOSAMINIDASES A AND B DEFICIENCY; Beta-hexosaminidase-beta-subunit deficiency; GM2 gangliosidosis, type 2; Total hexosaminidase deficiency; Sandhoff-Jatzkewitz-Pilz disease. Identifiers: Orphanet 796, MedGen C0036161, MONDO:0010006, OMIM 268800.

Submission:

Labcorp Genetics (formerly Invitae), Labcorp
Classification: Pathogenic for Sandhoff disease. Last evaluated: 2022-09-13. Review status: criteria provided, single submitter. Criteria: Invitae Variant Classification Sherloc (09022015). Collection method: clinical testing. Allele origin: germline.
Comment: This sequence change creates a premature translational stop signal (p.Gly549*) in the HEXB gene. While this is not anticipated to result in nonsense mediated decay, it is expected to disrupt the last 8 amino acid(s) of the HEXB protein. This variant is not present in population databases (gnomAD no frequency). This variant has not been reported in the literature in individuals affected with HEXB-related conditions. Algorithms developed to predict the effect of sequence changes on RNA splicing suggest that this variant may disrupt the consensus splice site. This variant disrupts a region of the HEXB protein in which other variant(s) (p.Cys551Tyr) have been determined to be pathogenic (PMID: 24461908, 33407268). This suggests that this is a clinically significant region of the protein, and that variants that disrupt it are likely to be disease-causing. For these reasons, this variant has been classified as Pathogenic.

Literature cited by the submitters: PubMed 24461908; PubMed 33407268.

NM_000521.4(HEXB):c.1645G>T (p.Gly549Ter)

Gene: HEXB (hexosaminidase subunit beta; plus strand). Cytogenetic location: 5q13.3.
Variant type: single nucleotide variant.
Coding change: c.1645G>T on transcript NM_000521.4 (MANE Select); coding-DNA position 1645, G replaced by T.
Protein change: p.Gly549Ter; replaces glycine 549 with a stop codon.
Molecular consequence: nonsense.
Genome position (GRCh38, 1-based): chr5:74,721,149, G>T. VCF-style: chr5-74721149-G-T. GRCh37 (hg19) VCF-style: chr5-74016974-G-T.
Other names: c.970G>T, p.Gly324Ter (NM_001292004.2); short protein forms G549*, G324*.
Identifiers: ClinVar variation 2161048 (VCV002161048.1), dbSNP rs398123448, ClinGen allele CA360071979.